The following is an entry in ClinVar:

ClinVar aggregate classification (germline): Uncertain significance (1 of 4 stars; one submission).

Submission:

GeneDx
Classification: Uncertain significance. Last evaluated: 2019-02-28. Review status: criteria provided, single submitter. Criteria: GeneDx Variant Classification Process June 2021. Collection method: clinical testing. Allele origin: germline. Affected: yes.
Comment: Not observed in large population cohorts (Lek et al., 2016; McVean et al., 2012; Exome Variant Server); In-frame deletion of 2 amino acids and insertion of 5 amino acids in a non-repeat region; In silico analysis, which includes protein predictors and evolutionary conservation, supports a deleterious effect; Has not been previously published as pathogenic or benign to our knowledge

NM_015215.4(CAMTA1):c.333_336delinsGAGTATCATTTAC (p.Asn111_Arg112delinsLysSerIleIleTyr)

Gene: CAMTA1 (calmodulin binding transcription activator 1; plus strand). Cytogenetic location: 1p36.23.
Variant type: Indel.
Coding change: c.333_336delinsGAGTATCATTTAC on transcript NM_015215.4 (MANE Select); coding-DNA positions 333 to 336, CAGG replaced by GAGTATCATTTAC.
Protein change: p.Asn111_Arg112delinsLysSerIleIleTyr.
Molecular consequence: inframe indel.
Genome position (GRCh38, 1-based): chr1:7,249,521-7,249,524, CAGG replaced by GAGTATCATTTAC. VCF-style: chr1-7249521-CAGG-GAGTATCATTTAC. GRCh37 (hg19) VCF-style: chr1-7309581-CAGG-GAGTATCATTTAC.
Other names: c.243_246delinsGAGTATCATTTAC, p.Asn81_Arg82delinsLysSerIleIleTyr (NM_001349608.2, NM_001349612.2); c.333_336delinsGAGTATCATTTAC, p.Asn111_Arg112delinsLysSerIleIleTyr (NM_001349609.2, NM_001349610.2).
Identifiers: ClinVar variation 1306755 (VCV001306755.2), dbSNP rs2149302869, ClinGen allele CA2573051615.